The following is an entry in ClinVar:

ClinVar aggregate classification (germline): Likely benign (1 of 4 stars; one submission).

gnomAD v4.1: 993 of 1,614,210 alleles (0.062%); highest among the groups gnomAD compares: African/African-American, 1%; 7 homozygotes.

Submission:

CeGaT Center for Human Genetics Tuebingen
Classification: Likely benign. Last evaluated: 2025-12-01. Review status: criteria provided, single submitter. Criteria: CeGaT Center For Human Genetics Tuebingen Variant Classification Criteria Version 2. Collection method: clinical testing. Allele origin: germline. Affected: yes. Observed: 2 variant alleles.
Comment: IFT70B: BP4, BP7

NM_152517.3(IFT70B):c.666C>T (p.His222=)

Gene: IFT70B (intraflagellar transport 70B; minus strand). Cytogenetic location: 2q31.2.
Variant type: single nucleotide variant.
Coding change: c.666C>T on transcript NM_152517.3 (MANE Select); coding-DNA position 666, C replaced by T.
Protein change: p.His222=; no amino-acid change (histidine 222 retained).
Molecular consequence: synonymous variant.
Genome position (GRCh38, 1-based): chr2:177,552,098, G>A on the plus strand (C>T on the coding strand, the complement: IFT70B is on the minus strand). VCF-style: chr2-177552098-G-A. GRCh37 (hg19) VCF-style: chr2-178416826-G-A.
Identifiers: ClinVar variation 3388230 (VCV003388230.14).
Genomic context (GRCh38, chr2:177,552,098, plus strand): 5'-GGTGTTGCCAACACTGCGAACATCAATGCCCTCAGTGGTCATGCCCACACCTAGCTCAGG[G>A]TGCTGGCGGATGCCACGCTCAATAATCTCAGCGATATGCTTCAGTGCTGAAGCATACTGT-3'
Protein context (NP_689730.2, residues 212-232): AEIIERGIRQ[His222=]PELGVGMTTE